The following is an entry in ClinVar:

ClinVar aggregate classification (germline): Conflicting classifications of pathogenicity. Review status: criteria provided, conflicting classifications (1 of 4 stars). 4 submissions from 4 submitters: Uncertain significance (3); Likely benign (1). Last evaluated 2024-08-07.

Conditions:
Inborn genetic diseases. Identifiers: MedGen C0950123, MeSH D030342.
Microcephaly 9, primary, autosomal recessive. Identifiers: Orphanet 2512, MedGen C3553886, MONDO:0013923, OMIM 614852.

Allele frequency attached by ClinVar (database versions not stated): gnomAD 0.00001; TOPMed 0.00003; gnomAD exomes 0.00005 and 0.00027; ExAC 0.00016.
gnomAD v4.1: 74 of 1,605,708 alleles (0.0046%); highest among the groups gnomAD compares: Admixed American, 0.12%; no homozygotes.

Submissions (4):

Ambry Genetics
Classification: Likely benign for Inborn genetic diseases. Last evaluated: 2024-08-07. Review status: criteria provided, single submitter. Criteria: Ambry Variant Classification Scheme 2023. Collection method: clinical testing. Allele origin: germline.

GeneDx
Classification: Uncertain significance. Last evaluated: 2022-08-19. Review status: criteria provided, single submitter. Criteria: GeneDx Variant Classification Process June 2021. Collection method: clinical testing. Allele origin: germline. Affected: yes.
Comment: In silico analysis supports that this missense variant does not alter protein structure/function; Has not been previously published as pathogenic or benign to our knowledge

Labcorp Genetics (formerly Invitae), Labcorp
Classification: Uncertain significance. Last evaluated: 2022-05-15. Review status: criteria provided, single submitter. Criteria: Invitae Variant Classification Sherloc (09022015). Collection method: clinical testing. Allele origin: germline.
Comment: This sequence change replaces glutamine, which is neutral and polar, with histidine, which is basic and polar, at codon 606 of the CEP152 protein (p.Gln606His). This variant is present in population databases (rs745853068, gnomAD 0.2%). This variant has not been reported in the literature in individuals affected with CEP152-related conditions. ClinVar contains an entry for this variant (Variation ID: 420640). Algorithms developed to predict the effect of missense changes on protein structure and function are either unavailable or do not agree on the potential impact of this missense change (SIFT: "Deleterious"; PolyPhen-2: "Possibly Damaging"; Align-GVGD: "Class C0"). In summary, the available evidence is currently insufficient to determine the role of this variant in disease. Therefore, it has been classified as a Variant of Uncertain Significance.

Baylor Genetics
Classification: Uncertain significance for Microcephaly 9, primary, autosomal recessive. Last evaluated: 2018-12-06. Review status: criteria provided, single submitter. Criteria: ACMG Guidelines, 2015. Collection method: clinical testing. Allele origin: paternal. Affected: yes.
Comment: This variant was determined to be of uncertain significance according to ACMG Guidelines, 2015 [PMID:25741868].

NM_001194998.2(CEP152):c.1818A>T (p.Gln606His)

Gene: CEP152 (centrosomal protein 152; minus strand). Cytogenetic location: 15q21.1.
Variant type: single nucleotide variant.
Coding change: c.1818A>T on transcript NM_001194998.2 (MANE Select); coding-DNA position 1818, A replaced by T.
Protein change: p.Gln606His; replaces glutamine 606 with histidine.
Molecular consequence: missense variant.
Genome position (GRCh38, 1-based): chr15:48,769,046, T>A on the plus strand (A>T on the coding strand, the complement: CEP152 is on the minus strand). VCF-style: chr15-48769046-T-A. GRCh37 (hg19) VCF-style: chr15-49061243-T-A.
Other names: c.1818A>T, p.Gln606His (NM_014985.4); short protein forms Q606H.
Identifiers: ClinVar variation 420640 (VCV000420640.9), dbSNP rs745853068, ClinGen allele CA7548733.